The following is an entry in ClinVar:

ClinVar aggregate classification (germline): Uncertain significance. Review status: criteria provided, multiple submitters, no conflicts (2 of 4 stars). 2 submissions from 2 submitters: Uncertain significance (2). Last evaluated 2025-12-08.

Conditions:
Inborn genetic diseases. Identifiers: MedGen C0950123, MeSH D030342.

Submissions (2):

Labcorp Genetics (formerly Invitae), Labcorp
Classification: Uncertain significance. Last evaluated: 2025-12-08. Review status: criteria provided, single submitter. Criteria: Invitae Variant Classification Sherloc (09022015). Collection method: clinical testing. Allele origin: germline.
Comment: This sequence change replaces asparagine, which is neutral and polar, with lysine, which is basic and polar, at codon 724 of the MECOM protein (p.Asn724Lys). This variant is not present in population databases (gnomAD no frequency). This variant has not been reported in the literature in individuals affected with MECOM-related conditions. ClinVar contains an entry for this variant (Variation ID: 3394243). An algorithm developed to predict the effect of missense changes on protein structure and function (PolyPhen-2) suggests that this variant is likely to be tolerated. In summary, the available evidence is currently insufficient to determine the role of this variant in disease. Therefore, it has been classified as a Variant of Uncertain Significance.

Ambry Genetics
Classification: Uncertain significance for Inborn genetic diseases. Last evaluated: 2024-10-15. Review status: criteria provided, single submitter. Criteria: Ambry Variant Classification Scheme 2023. Collection method: clinical testing. Allele origin: germline.
Comment: The p.N912K variant (also known as c.2736C>A), located in coding exon 11 of the MECOM gene, results from a C to A substitution at nucleotide position 2736. The asparagine at codon 912 is replaced by lysine, an amino acid with similar properties. This amino acid position is conserved. In addition, this alteration is predicted to be tolerated by in silico analysis. Based on the available evidence, the clinical significance of this variant remains unclear.

NM_004991.4(MECOM):c.2736C>A (p.Asn912Lys)

Gene: MECOM (MDS1 and EVI1 complex locus; minus strand). Cytogenetic location: 3q26.2.
Variant type: single nucleotide variant.
Coding change: c.2736C>A on transcript NM_004991.4 (MANE Select); coding-DNA position 2736, C replaced by A.
Protein change: p.Asn912Lys; replaces asparagine 912 with lysine.
Molecular consequence: missense variant.
Genome position (GRCh38, 1-based): chr3:169,102,095, G>T on the plus strand (C>A on the coding strand, the complement: MECOM is on the minus strand). VCF-style: chr3-169102095-G-T. GRCh37 (hg19) VCF-style: chr3-168819883-G-T.
Other names: c.2367C>A, p.Asn789Lys (NM_001105077.4); c.2172C>A, p.Asn724Lys (NM_001105078.4, NM_001205194.2, NM_001366469.2 and 1 more transcripts); c.2148C>A, p.Asn716Lys (NM_001163999.2, NM_001366470.2); c.2145C>A, p.Asn715Lys (NM_001164000.2, NM_001366471.2, NM_001366472.2); c.2709C>A, p.Asn903Lys (NM_001366466.2); c.2175C>A, p.Asn725Lys (NM_001366467.2, NM_001366468.2); c.1737C>A, p.Asn579Lys (NM_001366473.2); c.1173C>A, p.Asn391Lys (NM_001366474.2); short protein forms N391K, N725K, N715K, N903K, N579K, N716K, N724K, N912K.
Identifiers: ClinVar variation 3394243 (VCV003394243.2).
Genomic context (GRCh38, chr3:169,102,095, plus strand): 5'-CAGCCATAATTAACTGTGCAGTTACCTGCAGGTATAGCGCTCCTTTCCCTTCCGCAGAAG[G>T]TTCTCTGGCAGGGCATTGGGAGGCGCCCTGAAGTTGAACATAGAGGGCACTGACTGTAAG-3'
Protein context (NP_004982.2, residues 902-922): FRAPPNALPE[Asn912Lys]LLRKGKERYT